The following is an entry in ClinVar:

ClinVar aggregate classification (germline): Pathogenic (1 of 4 stars; one submission).

Conditions:
Osteogenesis imperfecta type I (OI1). Also called: OI, TYPE I; OSTEOGENESIS IMPERFECTA TARDA; OSTEOGENESIS IMPERFECTA WITH BLUE SCLERAE; Osteogenesis imperfecta type 1; Lobstein disease; Classic Non-deforming Osteogenesis Imperfecta with Blue Sclerae. Identifiers: Orphanet 216796, Orphanet 666, MedGen C0023931, MONDO:0008146, OMIM 166200. Disease mechanism: loss of function.

Submission:

Labcorp Genetics (formerly Invitae), Labcorp
Classification: Pathogenic for Osteogenesis imperfecta type I. Last evaluated: 2020-01-16. Review status: criteria provided, single submitter. Criteria: Invitae Variant Classification Sherloc (09022015). Collection method: clinical testing. Allele origin: germline.
Comment: Donor and acceptor splice site variants typically lead to a loss of protein function (PMID: 16199547), and loss-of-function variants in COL1A1 are known to be pathogenic (PMID: 7942841, 9295084, 9443882). This sequence change affects a donor splice site in intron 26 of the COL1A1 gene. It is expected to disrupt RNA splicing and likely results in an absent or disrupted protein product. This variant is not present in population databases (ExAC no frequency). Disruption of this splice site has been observed in several individuals affected with osteogenesis imperfecta (PMID: 9067755, 17078022, 8408653, Invitae). This variant is also known in the literature as IVS26+1G>T. Algorithms developed to predict the effect of sequence changes on RNA splicing suggest that this variant may disrupt the consensus splice site, but this prediction has not been confirmed by published transcriptional studies. For these reasons, this variant has been classified as Pathogenic.

Literature cited by the submitters: PubMed 16199547; PubMed 7942841; PubMed 9295084; PubMed 9443882; PubMed 9067755; PubMed 17078022; PubMed 8408653.

NM_000088.4(COL1A1):c.1821+1G>T

Gene: COL1A1 (collagen type I alpha 1 chain; minus strand). Cytogenetic location: 17q21.33.
Variant type: single nucleotide variant.
Coding change: c.1821+1G>T on transcript NM_000088.4 (MANE Select); the canonical splice donor site of the intron after coding-DNA position 1821, G replaced by T.
Molecular consequence: splice donor variant.
Genome position (GRCh38, 1-based): chr17:50,192,993, C>A on the plus strand (G>T on the coding strand, the complement: COL1A1 is on the minus strand). VCF-style: chr17-50192993-C-A. GRCh37 (hg19) VCF-style: chr17-48270354-C-A.
Identifiers: ClinVar variation 847550 (VCV000847550.10), dbSNP rs66555264, ClinGen allele CA291544534.